The following is an entry in ClinVar:

NM_004984.4(KIF5A):c.166A>C (p.Asn56His)

Gene: KIF5A (kinesin family member 5A; plus strand). Cytogenetic location: 12q13.3.
Variant type: single nucleotide variant.
Coding change: c.166A>C on transcript NM_004984.4 (MANE Select); coding-DNA position 166, A replaced by C.
Protein change: p.Asn56His; replaces asparagine 56 with histidine.
Molecular consequence: missense variant. On other transcripts: intron variant (1).
Genome position (GRCh38, 1-based): chr12:57,563,475, A>C. VCF-style: chr12-57563475-A-C. GRCh37 (hg19) VCF-style: chr12-57957258-A-C.
Other names: c.166A>C (NM_004984.2); c.130-985A>C (NM_001354705.2); short protein forms N56H.
Identifiers: ClinVar variation 1406639 (VCV001406639.10), dbSNP rs1162282839, ClinGen allele CA385492467.

ClinVar aggregate classification (germline): Uncertain significance. Review status: criteria provided, multiple submitters, no conflicts (2 of 4 stars). 3 submissions from 3 submitters: Uncertain significance (3). Last evaluated 2025-08-04.

Conditions:
Spastic paraplegia. Identifiers: MedGen C0037772, HP:0001258.
Inborn genetic diseases. Identifiers: MedGen C0950123, MeSH D030342.

Allele frequency attached by ClinVar (database versions not stated): gnomAD exomes below 0.00001.
gnomAD v4.1: 1 of 1,613,956 alleles (0.000062%); highest among the groups gnomAD compares: Non-Finnish European, 0.000085%; no homozygotes.

Submissions (3):

Labcorp Genetics (formerly Invitae), Labcorp
Classification: Uncertain significance for Spastic paraplegia. Last evaluated: 2025-08-04. Review status: criteria provided, single submitter. Criteria: Invitae Variant Classification Sherloc (09022015). Collection method: clinical testing. Allele origin: germline.
Comment: This sequence change replaces asparagine, which is neutral and polar, with histidine, which is basic and polar, at codon 56 of the KIF5A protein (p.Asn56His). This variant is present in population databases (no rsID available, gnomAD 0.0009%). This variant has not been reported in the literature in individuals affected with KIF5A-related conditions. ClinVar contains an entry for this variant (Variation ID: 1406639). Invitae Evidence Modeling of protein sequence and biophysical properties (such as structural, functional, and spatial information, amino acid conservation, physicochemical variation, residue mobility, and thermodynamic stability) has been performed for this missense variant. However, the output from this modeling did not meet the statistical confidence thresholds required to predict the impact of this variant on KIF5A protein function. In summary, the available evidence is currently insufficient to determine the role of this variant in disease. Therefore, it has been classified as a Variant of Uncertain Significance.

Ambry Genetics
Classification: Uncertain significance for Inborn genetic diseases. Last evaluated: 2025-01-29. Review status: criteria provided, single submitter. Criteria: Ambry Variant Classification Scheme 2023. Collection method: clinical testing. Allele origin: germline.

Women's Health and Genetics/Laboratory Corporation of America, LabCorp
Classification: Uncertain significance. Last evaluated: 2025-01-07. Review status: criteria provided, single submitter. Criteria: LabCorp Variant Classification Summary - May 2015. Collection method: clinical testing. Allele origin: germline.
Comment: Variant summary: KIF5A c.166A>C (p.Asn56His) results in a conservative amino acid change located in the Kinesin motor, catalytic domain. ATPase (IPR001752) of the encoded protein sequence. Three of five in-silico tools predict a benign effect of the variant on protein function. The variant allele was found at a frequency of 4e-06 in 251484 control chromosomes. The available data on variant occurrences in the general population are insufficient to allow any conclusion about variant significance. To our knowledge, no occurrence of c.166A>C in individuals affected with Spastic Paraglegia 10 and no experimental evidence demonstrating its impact on protein function have been reported. ClinVar contains an entry for this variant (Variation ID: 1406639). Based on the evidence outlined above, the variant was classified as uncertain significance.